The following is an entry in ClinVar:

ClinVar aggregate classification (germline): Likely benign. Review status: criteria provided, multiple submitters, no conflicts (2 of 4 stars). 4 submissions from 4 submitters: Likely benign (4). Last evaluated 2025-06-14.

Conditions:
Cardiomyopathy (CMYO). Also called: Cardiomyopathies. Identifiers: Orphanet 167848, MedGen C0878544, MONDO:0004994, HP:0001638. Inheritance: Various modes of inheritance.
Arrhythmogenic right ventricular dysplasia 5. Also called: Arrhythmogenic Right Ventricular Dysplasia/Cardiomyopathy 5; ARRHYTHMOGENIC RIGHT VENTRICULAR DYSPLASIA, FAMILIAL, 5. Identifiers: MedGen C1858379, MONDO:0011459, OMIM 604400.
Cardiovascular phenotype. Identifiers: MedGen CN230736.

Allele frequency attached by ClinVar (database versions not stated): TOPMed below 0.00001; gnomAD exomes 0.00001; ExAC 0.00002.
gnomAD v4.1: 6 of 1,613,868 alleles (0.00037%); highest among the groups gnomAD compares: Admixed American, 0.01%; no homozygotes.

Submissions (4):

Labcorp Genetics (formerly Invitae), Labcorp
Classification: Likely benign for Arrhythmogenic right ventricular dysplasia 5. Last evaluated: 2025-06-14. Review status: criteria provided, single submitter. Criteria: Invitae Variant Classification Sherloc (09022015). Collection method: clinical testing. Allele origin: germline.

All of Us Research Program, National Institutes of Health
Classification: Likely benign for Arrhythmogenic right ventricular dysplasia 5. Last evaluated: 2024-06-17. Review status: criteria provided, single submitter. Criteria: ACMG Guidelines, 2015. Collection method: clinical testing. Allele origin: germline. Inheritance: Autosomal dominant inheritance. Observed: 2 variant alleles, 2 heterozygotes.
Comment: This study involves interpretation of variants in research participants for the purpose of population health screening. Participant phenotype was not available at the time of variant classification. Additional details can be found in publication PMID: 35346344, PMCID: PMC8962531

Ambry Genetics
Classification: Likely benign for Cardiovascular phenotype. Last evaluated: 2022-10-09. Review status: criteria provided, single submitter. Criteria: Ambry Variant Classification Scheme 2023. Collection method: clinical testing. Allele origin: germline.

Color Diagnostics, LLC DBA Color Health
Classification: Likely benign for Cardiomyopathy. Last evaluated: 2018-10-16. Review status: criteria provided, single submitter. Criteria: ACMG Guidelines, 2015. Collection method: clinical testing. Allele origin: germline.

NM_024334.3(TMEM43):c.186C>G (p.Thr62=)

Gene: TMEM43 (transmembrane protein 43; plus strand). Cytogenetic location: 3p25.1.
Variant type: single nucleotide variant.
Coding change: c.186C>G on transcript NM_024334.3 (MANE Select); coding-DNA position 186, C replaced by G.
Protein change: p.Thr62=; no amino-acid change (threonine 62 retained).
Molecular consequence: synonymous variant.
Genome position (GRCh38, 1-based): chr3:14,130,845, C>G. VCF-style: chr3-14130845-C-G. GRCh37 (hg19) VCF-style: chr3-14172345-C-G.
Identifiers: ClinVar variation 629576 (VCV000629576.16), dbSNP rs773764939, ClinGen allele CA052112.
Genomic context (GRCh38, chr3:14,130,845, plus strand): 5'-CTGAGCTGTTGAAATCCCCACTCCCCTTTGCTCCCAGGGCCGCGCATTGAAGACGGCAAC[C>G]TCATTGGCTGAGGGGCTCTCGCTTGTGGTGTCTCCCGACAGCATCCACAGTGTGGCTCCG-3'
Protein context (NP_077310.1, residues 52-72): TNEGRALKTA[Thr62=]SLAEGLSLVV